The following is an entry in ClinVar:

NM_020297.4(ABCC9):c.639G>A (p.Val213=)

Gene: ABCC9 (ATP binding cassette subfamily C member 9; minus strand). Cytogenetic location: 12p12.1.
Variant type: single nucleotide variant.
Coding change: c.639G>A on transcript NM_020297.4 (MANE Select); coding-DNA position 639, G replaced by A.
Protein change: p.Val213=; no amino-acid change (valine 213 retained).
Molecular consequence: synonymous variant. On other transcripts: intron variant (1).
Genome position (GRCh38, 1-based): chr12:21,915,845, C>T on the plus strand (G>A on the coding strand, the complement: ABCC9 is on the minus strand). VCF-style: chr12-21915845-C-T. GRCh37 (hg19) VCF-style: chr12-22068779-C-T.
Other names: c.639G>A, p.Val213= (NM_001377273.1, NM_005691.4); c.-48-2779G>A (NM_001377274.1).
Identifiers: ClinVar variation 682272 (VCV000682272.11), dbSNP rs1213285317, ClinGen allele CA478871685.
Genomic context (GRCh38, chr12:21,915,845, plus strand): 5'-TGTGTTCATCCACCAGTATGTTGCTTTTGACAGCAAATTCACAAATGGTTGAAGAAATCT[C>T]ACTCCCAGATCCTGGAGGTCTTCAGGAGGCTTTACTTTCTGAGGATTCATGAAAAATACA-3'
Protein context (NP_064693.2, residues 203-223): KPPEDLQDLG[Val213=]RFLQPFVNLL

ClinVar aggregate classification (germline): Conflicting classifications of pathogenicity. Review status: criteria provided, conflicting classifications (1 of 4 stars). 3 submissions from 3 submitters: Uncertain significance (1); Likely benign (2). Last evaluated 2025-08-30.

Conditions:
Cardiovascular phenotype. Identifiers: MedGen CN230736.
Dilated cardiomyopathy 1O (CMD1O). Also called: CARDIOMYOPATHY, DILATED, WITH VENTRICULAR TACHYCARDIA. Identifiers: Orphanet 154, MedGen C1837839, MONDO:0012062, OMIM 608569.

Allele frequency attached by ClinVar (database versions not stated): gnomAD exomes below 0.00001; TOPMed 0.00001.
gnomAD v4.1: 2 of 1,613,522 alleles (0.00012%); highest among the groups gnomAD compares: East Asian, 0.0022%; no homozygotes.

Submissions (3):

Labcorp Genetics (formerly Invitae), Labcorp
Classification: Likely benign for Dilated cardiomyopathy 1O. Last evaluated: 2025-08-30. Review status: criteria provided, single submitter. Criteria: Invitae Variant Classification Sherloc (09022015). Collection method: clinical testing. Allele origin: germline.

Ambry Genetics
Classification: Uncertain significance for Cardiovascular phenotype. Last evaluated: 2020-08-25. Review status: criteria provided, single submitter. Criteria: Ambry Variant Classification Scheme 2023. Collection method: clinical testing. Allele origin: germline.
Comment: The c.639G>A variant (also known as p.V213V), located in coding exon 5 of the ABCC9 gene, results from a G to A substitution at nucleotide position 639. This nucleotide substitution does not change the at codon 213. This nucleotide position is well conserved in available vertebrate species. In silico splice site analysis predicts that this alteration will result in the creation or strengthening of a novel splice donor site. Since supporting evidence is limited at this time, the clinical significance of this alteration remains unclear.

GeneDx
Classification: Likely benign. Last evaluated: 2018-04-26. Review status: criteria provided, single submitter. Criteria: GeneDx Variant Classification (06012015). Collection method: clinical testing. Allele origin: germline. Affected: yes.
Comment: This variant is considered likely benign or benign based on one or more of the following criteria: it is a conservative change, it occurs at a poorly conserved position in the protein, it is predicted to be benign by multiple in silico algorithms, and/or has population frequency not consistent with disease.